The following is an entry in ClinVar:

NM_033124.5(DRC2):c.93G>A (p.Met31Ile)

Gene: DRC2 (dynein regulatory complex subunit 2; plus strand). Cytogenetic location: 12q13.12.
Variant type: single nucleotide variant.
Coding change: c.93G>A on transcript NM_033124.5 (MANE Select); coding-DNA position 93, G replaced by A.
Protein change: p.Met31Ile; replaces methionine 31 with isoleucine.
Molecular consequence: missense variant. On other transcripts: 5 prime UTR variant (1).
Genome position (GRCh38, 1-based): chr12:48,904,429, G>A. VCF-style: chr12-48904429-G-A. GRCh37 (hg19) VCF-style: chr12-49298212-G-A.
Other names: c.-297G>A (NM_001286957.2); short protein forms M31I.
Identifiers: ClinVar variation 961309 (VCV000961309.9), dbSNP rs1485636400, ClinGen allele CA384652877.

ClinVar aggregate classification (germline): Uncertain significance (1 of 4 stars; one submission).

Conditions:
Primary ciliary dyskinesia 27. Also called: CILIARY DYSKINESIA, PRIMARY, 27, WITHOUT SITUS INVERSUS. Identifiers: Orphanet 244, MedGen C3809701, MONDO:0014215, OMIM 615504.

Allele frequency attached by ClinVar (database versions not stated): gnomAD exomes below 0.00001 and 0.00001.
gnomAD v4.1: 5 of 1,613,962 alleles (0.00031%); highest among the groups gnomAD compares: Non-Finnish European, 0.00042%; no homozygotes.

Submission:

Labcorp Genetics (formerly Invitae), Labcorp
Classification: Uncertain significance for Primary ciliary dyskinesia 27. Last evaluated: 2024-04-25. Review status: criteria provided, single submitter. Criteria: Invitae Variant Classification Sherloc (09022015). Collection method: clinical testing. Allele origin: germline.
Comment: This sequence change replaces methionine, which is neutral and non-polar, with isoleucine, which is neutral and non-polar, at codon 31 of the CCDC65 protein (p.Met31Ile). This variant is present in population databases (no rsID available, gnomAD 0.0009%). This variant has not been reported in the literature in individuals affected with CCDC65-related conditions. ClinVar contains an entry for this variant (Variation ID: 961309). Algorithms developed to predict the effect of missense changes on protein structure and function output the following: SIFT: "Not Available"; PolyPhen-2: "Benign"; Align-GVGD: "Not Available". The isoleucine amino acid residue is found in multiple mammalian species, which suggests that this missense change does not adversely affect protein function. In summary, the available evidence is currently insufficient to determine the role of this variant in disease. Therefore, it has been classified as a Variant of Uncertain Significance.